The following is an entry in ClinVar:

ClinVar aggregate classification (germline): Uncertain significance (1 of 4 stars; one submission).

Submission:

Greenwood Genetic Center Diagnostic Laboratories, Greenwood Genetic Center
Classification: Uncertain significance. Last evaluated: 2024-03-11. Review status: criteria provided, single submitter. Criteria: ACMG Guidelines, 2015. Collection method: clinical testing. Allele origin: germline. Affected: yes.
Comment: PM2

NM_006949.4(STXBP2):c.1108-482T>G

Gene: STXBP2 (syntaxin binding protein 2; plus strand). Cytogenetic location: 19p13.2.
Variant type: single nucleotide variant.
Coding change: c.1108-482T>G on transcript NM_006949.4 (MANE Select); 482 bases into the intron before coding-DNA position 1108, T replaced by G.
Molecular consequence: intron variant.
Genome position (GRCh38, 1-based): chr19:7,644,132, T>G. VCF-style: chr19-7644132-T-G. GRCh37 (hg19) VCF-style: chr19-7709018-T-G.
Other names: c.1012-482T>G (NM_001414484.1); c.1141-482T>G (NM_001272034.2); c.1099-482T>G (NM_001127396.3).
Identifiers: ClinVar variation 3235787 (VCV003235787.1), dbSNP rs79840713, ClinGen allele CA884227398.
Genomic context (GRCh38, chr19:7,644,132, plus strand): 5'-GGGGTGGAGCCTTGGAGAGCTGGGACCTGGGTGAGGGGTGGAGCCTTGGAGAGGTGGGAC[T>G]TGGGTGAGGGGTGGAGCCTTGGAGAGGTGGGACCTGGGTGAGGGGTGGAGCCTCGGAGAG-3'